The following is an entry in ClinVar:

NM_000094.4(COL7A1):c.5877C>T (p.Ile1959=)

Gene: COL7A1 (collagen type VII alpha 1 chain; minus strand). Cytogenetic location: 3p21.31.
Variant type: single nucleotide variant.
Coding change: c.5877C>T on transcript NM_000094.4 (MANE Select); coding-DNA position 5877, C replaced by T.
Protein change: p.Ile1959=; no amino-acid change (isoleucine 1959 retained).
Molecular consequence: synonymous variant.
Genome position (GRCh38, 1-based): chr3:48,575,728, G>A on the plus strand (C>T on the coding strand, the complement: COL7A1 is on the minus strand). VCF-style: chr3-48575728-G-A. GRCh37 (hg19) VCF-style: chr3-48613161-G-A.
Other names: c.5877C>T (NM_000094.3).
Identifiers: ClinVar variation 991495 (VCV000991495.10), dbSNP rs779298653, ClinGen allele CA2379254.

ClinVar aggregate classification (germline): Likely benign. Review status: criteria provided, single submitter (1 of 4 stars). 3 submissions from 3 submitters: Likely benign (1). 2 of the submissions do not count toward it. Last evaluated 2025-10-08.

Conditions:
Epidermolysis bullosa dystrophica inversa, autosomal recessive. Identifiers: MedGen C2673612.
COL7A1-related disorder. Also called: COL7A1-related condition; COL7A1- related disorders.

Allele frequency attached by ClinVar (database versions not stated): TOPMed 0.00004; gnomAD 0.00005 and 0.00006.
gnomAD v4.1: 48 of 1,613,812 alleles (0.003%); highest among the groups gnomAD compares: African/African-American, 0.011%; no homozygotes.

Submissions (3):

Labcorp Genetics (formerly Invitae), Labcorp
Classification: Likely benign. Last evaluated: 2025-10-08. Review status: criteria provided, single submitter. Criteria: Invitae Variant Classification Sherloc (09022015). Collection method: clinical testing. Allele origin: germline.

Natera, Inc.
Classification: Uncertain significance for Autosomal recessive epidermolysis bullosa dystrophica inversa. Last evaluated: 2020-10-19. Review status: no assertion criteria provided. Collection method: clinical testing. Allele origin: germline. Not counted in ClinVar's aggregate classification.

PreventionGenetics, part of Exact Sciences
Classification: Likely benign for COL7A1-related condition. Last evaluated: 2019-03-18. Review status: no assertion criteria provided. Collection method: clinical testing. Allele origin: germline. Not counted in ClinVar's aggregate classification.
Comment: This variant is classified as likely benign based on ACMG/AMP sequence variant interpretation guidelines (Richards et al. 2015 PMID: 25741868, with internal and published modifications).